The following is an entry in ClinVar:

NM_001270.4(CHD1):c.3834G>A (p.Met1278Ile)

Gene: CHD1 (chromodomain helicase DNA binding protein 1; minus strand). Cytogenetic location: 5q15.
Variant type: single nucleotide variant.
Coding change: c.3834G>A on transcript NM_001270.4 (MANE Select); coding-DNA position 3834, G replaced by A.
Protein change: p.Met1278Ile; replaces methionine 1278 with isoleucine.
Molecular consequence: missense variant. On other transcripts: non-coding transcript variant (2).
Genome position (GRCh38, 1-based): chr5:98,872,078, C>T on the plus strand (G>A on the coding strand, the complement: CHD1 is on the minus strand). VCF-style: chr5-98872078-C-T. GRCh37 (hg19) VCF-style: chr5-98207782-C-T.
Other names: c.3834G>A, p.Met1278Ile (NM_001364113.3, NM_001376194.2); short protein forms M1278I.
Identifiers: ClinVar variation 1334519 (VCV001334519.4), dbSNP rs2112323991, ClinGen allele CA360522823.

ClinVar aggregate classification (germline): Uncertain significance (1 of 4 stars; one submission).

Submission:

Greenwood Genetic Center Diagnostic Laboratories, Greenwood Genetic Center
Classification: Uncertain significance. Last evaluated: 2021-04-06. Review status: criteria provided, single submitter. Criteria: ACMG Guidelines, 2015. Collection method: clinical testing. Allele origin: germline. Affected: yes.
Comment: PM2